The following is an entry in ClinVar:

ClinVar aggregate classification (germline): Benign/Likely benign. Review status: criteria provided, multiple submitters, no conflicts (2 of 4 stars). 3 submissions from 3 submitters: Benign (1); Likely benign (2). Last evaluated 2026-06-11.

Conditions:
Inborn genetic diseases. Identifiers: MedGen C0950123, MeSH D030342.
Tumor predisposition syndrome 2 (TPDS2). Also called: MBD4-ASSOCIATED NEOPLASIA SYNDROME; MBD4-Related Tumor Predisposition Syndrome; MBD4-associated neoplasia syndrome (MANS). Identifiers: Orphanet 661526, MedGen C5774186, MONDO:0859267, OMIM 619975.

Allele frequency attached by ClinVar (database versions not stated): gnomAD exomes below 0.00001; ExAC 0.00001; TOPMed 0.00004; ESP Exome Variant Server 0.00008.
gnomAD v4.1: 5 of 1,614,074 alleles (0.00031%); highest among the groups gnomAD compares: Middle Eastern, 0.016%; no homozygotes.

Submissions (3):

Myriad Genetics, Inc.
Classification: Benign for Tumor predisposition syndrome 2. Last evaluated: 2026-06-11. Review status: criteria provided, single submitter. Criteria: Myriad Autosomal Dominant, Autosomal Recessive and X-Linked Classification Criteria (2023). Collection method: clinical testing. Allele origin: unknown.
Comment: This variant is considered benign. This variant is a silent/synonymous amino acid change and it is not expected to impact splicing.

Labcorp Genetics (formerly Invitae), Labcorp
Classification: Likely benign. Last evaluated: 2025-04-09. Review status: criteria provided, single submitter. Criteria: Invitae Variant Classification Sherloc (09022015). Collection method: clinical testing. Allele origin: germline.

Ambry Genetics
Classification: Likely benign for Inborn genetic diseases. Last evaluated: 2024-11-23. Review status: criteria provided, single submitter. Criteria: Ambry Variant Classification Scheme 2023. Collection method: clinical testing. Allele origin: germline.

NM_001276270.2(MBD4):c.1479G>A (p.Val493=)

Gene: MBD4 (methyl-CpG binding domain 4, DNA glycosylase; minus strand). Cytogenetic location: 3q21.3.
Variant type: single nucleotide variant.
Coding change: c.1479G>A on transcript NM_001276270.2 (MANE Select); coding-DNA position 1479, G replaced by A.
Protein change: p.Val493=; no amino-acid change (valine 493 retained).
Molecular consequence: synonymous variant.
Genome position (GRCh38, 1-based): chr3:129,433,162, C>T on the plus strand (G>A on the coding strand, the complement: MBD4 is on the minus strand). VCF-style: chr3-129433162-C-T. GRCh37 (hg19) VCF-style: chr3-129152005-C-T.
Other names: c.1497G>A, p.Val499= (NM_001276271.2, NM_001276272.2, NM_003925.3); c.543G>A, p.Val181= (NM_001276273.2).
Identifiers: ClinVar variation 2902826 (VCV002902826.5), dbSNP rs374206466, ClinGen allele CA2605282.